The following is an entry in ClinVar:

NM_001366285.2(TBXT):c.294C>T (p.Asp98=)

Gene: TBXT (T-box transcription factor T; minus strand). Cytogenetic location: 6q27.
Variant type: single nucleotide variant.
Coding change: c.294C>T on transcript NM_001366285.2 (MANE Select); coding-DNA position 294, C replaced by T.
Protein change: p.Asp98=; no amino-acid change (aspartic acid 98 retained).
Molecular consequence: synonymous variant.
Genome position (GRCh38, 1-based): chr6:166,166,769, G>A on the plus strand (C>T on the coding strand, the complement: TBXT is on the minus strand). VCF-style: chr6-166166769-G-A. GRCh37 (hg19) VCF-style: chr6-166580257-G-A.
Other names: c.294C>T, p.Asp98= (NM_001270484.2, NM_001366286.2, NM_003181.4).
Identifiers: ClinVar variation 4992502 (VCV004992502.1).

ClinVar aggregate classification (germline): Benign (1 of 4 stars; one submission).

Conditions:
TBXT-related disorder. Also called: TBXT-related condition.

gnomAD v4.1: 21,863 of 1,613,712 alleles (1.4%); highest among the groups gnomAD compares: African/African-American, 20%; 1,554 homozygotes.

Submission:

PreventionGenetics, part of Exact Sciences
Classification: Benign for TBXT-related condition. Last evaluated: 2025-07-21. Review status: criteria provided, single submitter. Criteria: ACMG Guidelines, 2015. Collection method: clinical testing. Allele origin: germline.
Comment: This variant is classified as benign based on ACMG/AMP sequence variant interpretation guidelines (Richards et al. 2015 PMID: 25741868, with internal and published modifications).